The following is an entry in ClinVar:

NM_004104.5(FASN):c.1850C>G (p.Pro617Arg)

Gene: FASN (fatty acid synthase; minus strand). Cytogenetic location: 17q25.3.
Variant type: single nucleotide variant.
Coding change: c.1850C>G on transcript NM_004104.5 (MANE Select); coding-DNA position 1850, C replaced by G.
Protein change: p.Pro617Arg; replaces proline 617 with arginine.
Molecular consequence: missense variant.
Genome position (GRCh38, 1-based): chr17:82,090,395, G>C on the plus strand (C>G on the coding strand, the complement: FASN is on the minus strand). VCF-style: chr17-82090395-G-C. GRCh37 (hg19) VCF-style: chr17-80048271-G-C.
Other names: short protein forms P617R.
Identifiers: ClinVar variation 1055489 (VCV001055489.9), dbSNP rs45444391, ClinGen allele CA401559571.

ClinVar aggregate classification (germline): Uncertain significance (1 of 4 stars; one submission).

Conditions:
Epileptic encephalopathy. Identifiers: MedGen C0543888, HP:0200134.

Submission:

Labcorp Genetics (formerly Invitae), Labcorp
Classification: Uncertain significance for Epileptic encephalopathy. Last evaluated: 2020-08-02. Review status: criteria provided, single submitter. Criteria: Invitae Variant Classification Sherloc (09022015). Collection method: clinical testing. Allele origin: germline.
Comment: This sequence change replaces proline with arginine at codon 617 of the FASN protein (p.Pro617Arg). The proline residue is moderately conserved and there is a moderate physicochemical difference between proline and arginine. This variant is not present in population databases (ExAC no frequency). This variant has not been reported in the literature in individuals with FASN-related conditions. Algorithms developed to predict the effect of missense changes on protein structure and function (SIFT, PolyPhen-2, Align-GVGD) all suggest that this variant is likely to be tolerated, but these predictions have not been confirmed by published functional studies and their clinical significance is uncertain. In summary, the available evidence is currently insufficient to determine the role of this variant in disease. Therefore, it has been classified as a Variant of Uncertain Significance.